The following is an entry in ClinVar:

NM_152513.4(MEI1):c.455T>A (p.Leu152Gln)

Gene: MEI1 (meiotic double-stranded break formation protein 1; plus strand). Cytogenetic location: 22q13.2.
Variant type: single nucleotide variant.
Coding change: c.455T>A on transcript NM_152513.4 (MANE Select); coding-DNA position 455, T replaced by A.
Protein change: p.Leu152Gln; replaces leucine 152 with glutamine.
Molecular consequence: missense variant.
Genome position (GRCh38, 1-based): chr22:41,716,072, T>A. VCF-style: chr22-41716072-T-A. GRCh37 (hg19) VCF-style: chr22-42112076-T-A.
Other names: short protein forms L152Q.
Identifiers: ClinVar variation 2366849 (VCV002366849.3), dbSNP rs1243243017, ClinGen allele CA411733834.
Genomic context (GRCh38, chr22:41,716,072, plus strand): 5'-ACAGAATGGAGCATATTCACTTTCTGTAGCTGTGTAACATGCCCTCCATGCGAGGCAGCC[T>A]GGCCACCCTGACCCTTCTTGGCAAGTTGGTGGATGCCATCCCTGCTCTGGCAGACGAGCT-3'
Protein context (NP_689726.3, residues 142-162): LCNMPSMRGS[Leu152Gln]ATLTLLGKLV

ClinVar aggregate classification (germline): Uncertain significance. Review status: criteria provided, multiple submitters, no conflicts (2 of 4 stars). 2 submissions from 2 submitters: Uncertain significance (2). Last evaluated 2026-08-06.

Conditions:
Hydatidiform mole, recurrent, 3. Identifiers: MedGen C5193093, MONDO:0032746, OMIM 618431.

Allele frequency attached by ClinVar (database versions not stated): TOPMed 0.00001.
gnomAD v4.1: 4 of 1,611,834 alleles (0.00025%); highest among the groups gnomAD compares: Non-Finnish European, 0.00034%; no homozygotes.

Submissions (2):

OLLIN Analises Genomicas, OLLIN
Classification: Uncertain significance for Hydatidiform mole, recurrent, 3. Last evaluated: 2026-08-06. Review status: criteria provided, single submitter. Criteria: ACMG Guidelines 2015 PMID 25741868. Collection method: clinical testing. Allele origin: germline. Inheritance: Autosomal recessive inheritance.
Comment: This missense variant, located in exon 5 (of 31), has been reported in ClinVar (accession VCV002366849.2) and in gnomAD with an allele frequency of 0.00025%. However, to our knowledge, it has not been reported in the scientific literature. In silico analysis predicts that this variant has a tolerated effect. According to the currently available evidence, this variant has been classified as uncertain significance (PM2_P, BP4).

Ambry Genetics
Classification: Uncertain significance. Last evaluated: 2022-10-12. Review status: criteria provided, single submitter. Criteria: Ambry Variant Classification Scheme 2023. Collection method: clinical testing. Allele origin: germline.